The following is an entry in ClinVar:

NM_153026.3(PRICKLE1):c.1543C>T (p.Gln515Ter)

Gene: PRICKLE1 (prickle planar cell polarity protein 1; minus strand). Cytogenetic location: 12q12.
Variant type: single nucleotide variant.
Coding change: c.1543C>T on transcript NM_153026.3 (MANE Select); coding-DNA position 1543, C replaced by T.
Protein change: p.Gln515Ter; replaces glutamine 515 with a stop codon.
Molecular consequence: nonsense.
Genome position (GRCh38, 1-based): chr12:42,464,491, G>A on the plus strand (C>T on the coding strand, the complement: PRICKLE1 is on the minus strand). VCF-style: chr12-42464491-G-A. GRCh37 (hg19) VCF-style: chr12-42858293-G-A.
Other names: c.1543C>T, p.Gln515Ter (NM_001144882.2, NM_001144883.2, NM_001144881.2); short protein forms Q515*.
Identifiers: ClinVar variation 1043526 (VCV001043526.6), dbSNP rs1937999343, ClinGen allele CA384441456.

ClinVar aggregate classification (germline): Uncertain significance (1 of 4 stars; one submission).

Conditions:
Epilepsy, progressive myoclonic, 1B. Also called: PME. Identifiers: Orphanet 308, MedGen C2676254, MONDO:0012904, OMIM 612437.

Submission:

Labcorp Genetics (formerly Invitae), Labcorp
Classification: Uncertain significance for Epilepsy, progressive myoclonic, 1B. Last evaluated: 2020-08-02. Review status: criteria provided, single submitter. Criteria: Invitae Variant Classification Sherloc (09022015). Collection method: clinical testing. Allele origin: germline.
Comment: This sequence change creates a premature translational stop signal (p.Gln515*) in the PRICKLE1 gene. It is expected to result in an absent or disrupted protein product. This variant is not present in population databases (ExAC no frequency). This variant has not been reported in the literature in individuals with PRICKLE1-related conditions. The current clinical and genetic evidence is not sufficient to establish whether loss-of-function variants in PRICKLE1 cause disease. In summary, the available evidence is currently insufficient to determine the role of this variant in disease. Therefore, it has been classified as a Variant of Uncertain Significance.